The following is an entry in ClinVar:

ClinVar aggregate classification (germline): Benign/Likely benign. Review status: criteria provided, multiple submitters, no conflicts (2 of 4 stars). 7 submissions from 6 submitters: Benign (4); Likely benign (3). Last evaluated 2026-07-01.

Conditions:
Nephronophthisis. Also called: Juvenile Nephronophthisis. Identifiers: Orphanet 655, MedGen C0687120, MONDO:0019005, HP:0000090.
Senior-Loken syndrome 4 (SLSN4). Identifiers: Orphanet 3156, MedGen C1846979, MONDO:0011756, OMIM 606996.
Nephronophthisis 4 (NPHP4). Also called: NEPHRONOPHTHISIS 4, JUVENILE. Identifiers: Orphanet 655, MedGen C1847013, MONDO:0011752, OMIM 606966.

Allele frequency attached by ClinVar (database versions not stated): 1000 Genomes Project 0.00260; gnomAD 0.00267 and 0.00283; ESP Exome Variant Server 0.00272; 1000 Genomes Project 30x 0.00281; TOPMed 0.00297.
gnomAD v4.1: 769 of 1,613,624 alleles (0.048%); highest among the groups gnomAD compares: African/African-American, 0.91%; 2 homozygotes.

Submissions (7):

CeGaT Center for Human Genetics Tuebingen
Classification: Likely benign. Last evaluated: 2026-07-01. Review status: criteria provided, single submitter. Criteria: CeGaT Center For Human Genetics Tuebingen Variant Classification Criteria Version 2. Collection method: clinical testing. Allele origin: germline. Affected: yes. Observed: 1 variant allele.
Comment: NPHP4: BP4, BP7

Labcorp Genetics (formerly Invitae), Labcorp
Classification: Benign for Nephronophthisis. Last evaluated: 2026-02-02. Review status: criteria provided, single submitter. Criteria: Invitae Variant Classification Sherloc (09022015). Collection method: clinical testing. Allele origin: germline.

Blueprint Genetics
Classification: Likely benign. Last evaluated: 2024-10-02. Review status: criteria provided, single submitter. Criteria: ACMG Guidelines, 2015. Collection method: clinical testing. Allele origin: germline.

Illumina Laboratory Services, Illumina
Classification: Likely benign for Nephronophthisis 4. Last evaluated: 2018-01-13. Review status: criteria provided, single submitter. Criteria: ICSL Variant Classification Criteria 13 December 2019. Collection method: clinical testing. Allele origin: germline.
Comment: This variant was observed in the ICSL laboratory as part of a predisposition screen in an ostensibly healthy population. It had not been previously curated by ICSL or reported in the Human Gene Mutation Database (HGMD: prior to June 1st, 2018), and was therefore a candidate for classification through an automated scoring system. Utilizing variant allele frequency, disease prevalence and penetrance estimates, and inheritance mode, an automated score was calculated to assess if this variant is too frequent to cause the disease. Based on the score and internal cut-off values, a variant classified as likely benign is not then subjected to further curation. The score for this variant resulted in a classification of likely benign for this disease.

Illumina Laboratory Services, Illumina
Classification: Benign for Senior-Loken syndrome 4. Last evaluated: 2018-01-13. Review status: criteria provided, single submitter. Criteria: ICSL Variant Classification Criteria 13 December 2019. Collection method: clinical testing. Allele origin: germline.
Comment: This variant was observed in the ICSL laboratory as part of a predisposition screen in an ostensibly healthy population. It had not been previously curated by ICSL or reported in the Human Gene Mutation Database (HGMD: prior to June 1st, 2018), and was therefore a candidate for classification through an automated scoring system. Utilizing variant allele frequency, disease prevalence and penetrance estimates, and inheritance mode, an automated score was calculated to assess if this variant is too frequent to cause the disease. Based on the score and internal cut-off values, a variant classified as benign is not then subjected to further curation. The score for this variant resulted in a classification of benign for this disease.

Eurofins Ntd Llc (ga)
Classification: Benign. Last evaluated: 2015-03-02. Review status: criteria provided, single submitter. Criteria: EGL Classification Definitions 2015. Collection method: clinical testing. Allele origin: germline.

PreventionGenetics, part of Exact Sciences
Classification: Benign. Review status: criteria provided, single submitter. Criteria: ACMG Guidelines, 2015. Collection method: clinical testing. Allele origin: germline.

NM_015102.5(NPHP4):c.3036C>T (p.Pro1012=)

Gene: NPHP4 (nephrocystin 4; minus strand). Cytogenetic location: 1p36.31.
Variant type: single nucleotide variant.
Coding change: c.3036C>T on transcript NM_015102.5 (MANE Select); coding-DNA position 3036, C replaced by T.
Protein change: p.Pro1012=; no amino-acid change (proline 1012 retained).
Molecular consequence: synonymous variant. On other transcripts: non-coding transcript variant (1).
Genome position (GRCh38, 1-based): chr1:5,874,882, G>A on the plus strand (C>T on the coding strand, the complement: NPHP4 is on the minus strand). VCF-style: chr1-5874882-G-A. GRCh37 (hg19) VCF-style: chr1-5934942-G-A.
Other names: c.1497C>T, p.Pro499= (NM_001291593.2); c.1500C>T, p.Pro500= (NM_001291594.2).
Identifiers: ClinVar variation 195613 (VCV000195613.22), dbSNP rs34265978, ClinGen allele CA201857.